The following is an entry in ClinVar:

ClinVar aggregate classification (germline): Pathogenic (1 of 4 stars; one submission).

Conditions:
Becker muscular dystrophy (BMD). Also called: Becker Muscular Dystrophy (BMD); MUSCULAR DYSTROPHY, PSEUDOHYPERTROPHIC PROGRESSIVE, BECKER TYPE. Identifiers: Orphanet 98895, MedGen C0917713, MONDO:0010311, OMIM 300376.

Submission:

Clinical Omics and Informatics (COIN) Unit, Neuroscience Institute, University Of Cape Town
Classification: Pathogenic for Becker muscular dystrophy. Last evaluated: 2025-04-04. Review status: criteria provided, single submitter. Criteria: ACMG Guidelines, 2015. Collection method: research. Allele origin: germline. Inheritance: X-linked inheritance. Affected: yes.
Comment: Variant is absent from gnomAD v4 (coverage >20X confirmed) and the AGVD database. PVS1_Met: AutoPVS1 classification: frameshift variant predicted to undergo NMD, exon is present in biologically-relevant transcript. Out of frame DMD deletions are an established disease mechanism (PMID: 14636778;25007885). PS4_Supporting: Variant detected in one unrelated proband with consistent phenotype for disorder (PMID:26110187). PS3_Supporting: Proband's muscle biopsy showed complete absence of dystrophin protein.

Literature cited by the submitters: PubMed 26110187; PubMed 14636778; PubMed 25007885; PubMed 32404191; PubMed 20660363; PubMed 20232451.

NM_004006.3(DMD):c.503del (p.Ala168fs)

Gene: DMD (dystrophin; minus strand). Cytogenetic location: Xp21.1.
Variant type: Deletion.
Coding change: c.503del on transcript NM_004006.3 (MANE Select); coding-DNA position 503, one base deleted (C; older notation c.503delC).
Protein change: p.Ala168fs; shifts the reading frame from alanine 168.
Molecular consequence: frameshift variant.
Genome position (GRCh38, 1-based): chrX:32,816,495, G deleted on the plus strand (C on the coding strand, the reverse complement: DMD is on the minus strand). VCF-style (leftmost placement, unchanged base first): chrX-32816494-AG-A. GRCh37 (hg19) VCF-style: chrX-32834611-AG-A.
Other names: c.479del, p.Ala160fs (NM_000109.4); c.491del, p.Ala164fs (NM_004009.3); c.134del, p.Ala45fs (NM_004010.3); short protein forms A160fs, A168fs, A45fs, A164fs.
Identifiers: ClinVar variation 3781326 (VCV003781326.1).